The following is an entry in ClinVar:

ClinVar aggregate classification (germline): Uncertain significance. Review status: criteria provided, multiple submitters, no conflicts (2 of 4 stars). 2 submissions from 2 submitters: Uncertain significance (2). Last evaluated 2025-02-03.

Conditions:
Inborn genetic diseases. Identifiers: MedGen C0950123, MeSH D030342.

Allele frequency attached by ClinVar (database versions not stated): gnomAD 0.00002.

Submissions (2):

Labcorp Genetics (formerly Invitae), Labcorp
Classification: Uncertain significance. Last evaluated: 2025-02-03. Review status: criteria provided, single submitter. Criteria: Invitae Variant Classification Sherloc (09022015). Collection method: clinical testing. Allele origin: germline.
Comment: This sequence change replaces glutamic acid, which is acidic and polar, with lysine, which is basic and polar, at codon 763 of the GPR179 protein (p.Glu763Lys). This variant is present in population databases (no rsID available, gnomAD no frequency). This variant has not been reported in the literature in individuals affected with GPR179-related conditions. ClinVar contains an entry for this variant (Variation ID: 1926097). An algorithm developed to predict the effect of missense changes on protein structure and function outputs the following: PolyPhen-2: "Benign". The lysine amino acid residue is found in multiple mammalian species, which suggests that this missense change does not adversely affect protein function. In summary, the available evidence is currently insufficient to determine the role of this variant in disease. Therefore, it has been classified as a Variant of Uncertain Significance.

Ambry Genetics
Classification: Uncertain significance for Inborn genetic diseases. Last evaluated: 2024-01-16. Review status: criteria provided, single submitter. Criteria: Ambry Variant Classification Scheme 2023. Collection method: clinical testing. Allele origin: germline.

NM_001004334.4(GPR179):c.2287G>A (p.Glu763Lys)

Gene: GPR179 (G protein-coupled receptor 179; minus strand). Cytogenetic location: 17q12.
Variant type: single nucleotide variant.
Coding change: c.2287G>A on transcript NM_001004334.4 (MANE Select); coding-DNA position 2287, G replaced by A.
Protein change: p.Glu763Lys; replaces glutamic acid 763 with lysine.
Molecular consequence: missense variant.
Genome position (GRCh38, 1-based): chr17:38,331,282, C>T on the plus strand (G>A on the coding strand, the complement: GPR179 is on the minus strand). VCF-style: chr17-38331282-C-T. GRCh37 (hg19) VCF-style: chr17-36487165-C-T.
Other names: c.2287G>A (NM_001004334.2); short protein forms E763K.
Identifiers: ClinVar variation 1926097 (VCV001926097.6), dbSNP rs943653300, ClinGen allele CA290105969.
Genomic context (GRCh38, chr17:38,331,282, plus strand): 5'-GGTCCTGCTCCCTGCGCTGGTCATAGGTGCTGCGGGACTTGTGCAGAGCTGGTGTCCCCT[C>T]GGGTTCCTGGAGGCTGGAGCTGAGGAGCCGGCGGCGGGAGGAGCCGGGCAGGCTGCCGTG-3'
Protein context (NP_001004334.3, residues 753-773): RLLSSSLQEP[Glu763Lys]GTPALHKSRS